The following is an entry in ClinVar:

NM_181458.4(PAX3):c.86-2A>C

Gene: PAX3 (paired box 3; minus strand). Cytogenetic location: 2q36.1.
Variant type: single nucleotide variant.
Coding change: c.86-2A>C on transcript NM_181458.4 (MANE Select); the canonical splice acceptor site of the intron before coding-DNA position 86, A replaced by C.
Molecular consequence: splice acceptor variant.
Genome position (GRCh38, 1-based): chr2:222,297,215, T>G on the plus strand (A>C on the coding strand, the complement: PAX3 is on the minus strand). VCF-style: chr2-222297215-T-G. GRCh37 (hg19) VCF-style: chr2-223161934-T-G.
Other names: c.86-2A>C (NM_001127366.3, NM_181460.4, NM_181461.4 and 4 more transcripts).
Identifiers: ClinVar variation 3377037 (VCV003377037.3).
Genomic context (GRCh38, chr2:222,297,215, plus strand): 5'-GCCGTTGATAAAAACACCGCCGAGCTGGTTGACGCGGCCCTGGCCGAGGGGAGTGGACAC[T>G]GTGGGAAGGTGAAAAAGAGAAGCAAGGGAAAAGTCACTGGAGGAAAATAAAAAGCAAAGA-3'

ClinVar aggregate classification (germline): Pathogenic/Likely pathogenic. Review status: criteria provided, multiple submitters, no conflicts (2 of 4 stars). 3 submissions from 3 submitters: Pathogenic (1); Likely pathogenic (2). Last evaluated 2025-11-30.

Conditions:
Waardenburg syndrome type 1 (WS1). Also called: Waardenburg Syndrome Type I; WAARDENBURG SYNDROME WITH DYSTOPIA CANTHORUM. Identifiers: Orphanet 894, MedGen C1847800, MONDO:0008670, OMIM 193500.
PAX3-related disorder. Also called: PAX3-related condition.

Submissions (3):

Labcorp Genetics (formerly Invitae), Labcorp
Classification: Pathogenic. Last evaluated: 2025-11-30. Review status: criteria provided, single submitter. Criteria: Invitae Variant Classification Sherloc (09022015). Collection method: clinical testing. Allele origin: germline.
Comment: This sequence change affects an acceptor splice site in intron 1 of the PAX3 gene. It is expected to disrupt RNA splicing. Variants that disrupt the donor or acceptor splice site typically lead to a loss of protein function (PMID: 16199547), and loss-of-function variants in PAX3 are known to be pathogenic (PMID: 20127975, 23512835). This variant is not present in population databases (gnomAD no frequency). Disruption of this splice site has been observed in individual(s) with Waardenburg syndrome (PMID: 9232624). It has also been observed to segregate with disease in related individuals. ClinVar contains an entry for this variant (Variation ID: 3377037). Algorithms developed to predict the effect of sequence changes on RNA splicing suggest that this variant may disrupt the consensus splice site. For these reasons, this variant has been classified as Pathogenic.

Victorian Clinical Genetics Services, Murdoch Childrens Research Institute
Classification: Likely pathogenic for Waardenburg syndrome type 1. Last evaluated: 2024-10-09. Review status: criteria provided, single submitter. Criteria: ACMG Guidelines, 2015. Collection method: clinical testing. Allele origin: germline. Inheritance: Autosomal dominant inheritance. Affected: yes.
Comment: Based on the classification scheme VCGS_Germline_v1.3.4, this variant is classified as Likely pathogenic. Following criteria are met: 0102 - Loss of function is a known mechanism of disease in this gene and is associated with Waardenburg syndrome type 1 (MIM#193500), Waardenburg syndrome type 3 (MIM#148820) and craniofacial-deafness-hand syndrome (MIM#122880). (I) 0108 - This gene is associated with both recessive and dominant disease. Waardenburg syndrome is typically dominant; however, recessive inheritance has been observed in more severe cases (PMID: 30854529). (I) 0115 - Variants in this gene are known to have variable expressivity (PMID: 20301703). (I) 0211 - Canonical splice site variant without proven consequence on splicing (no functional evidence available). (SP) 0251 - This variant is heterozygous. (I) 0301 - Variant is absent from gnomAD (both v2 and v3). (SP) 0505 - Abnormal splicing is predicted by in silico tools and affected nucleotide is highly conserved. (SP) 0704 - Another splice site variant comparable to the one identified in this case has limited previous evidence for pathogenicity. c.86-2A>G has been reported twice in ClinVar, once as likely pathogenic and once as pathogenic. This variant has also been reported in the literature in a family with Waardenburg syndrome type 1 (PMID:9232624). (SP) 0807 - This variant has no previous evidence of pathogenicity. (I) 0905 - No published segregation evidence has been identified for this variant. (I) 1007 - No published functional evidence has been identified for this variant. (SP) Legend: (SP) - Supporting pathogenic, (I) - Information, (SB) - Supporting benign

Blueprint Genetics
Classification: Likely pathogenic for PAX3-related disorders. Last evaluated: 2021-09-01. Review status: criteria provided, single submitter. Criteria: ACMG Guidelines, 2015. Collection method: clinical testing. Allele origin: germline. Affected: yes. Observed: 1 variant allele.

Literature cited by the submitters: PubMed 16199547 (cited by Labcorp Genetics (formerly Invitae), Labcorp); PubMed 20127975 (cited by Labcorp Genetics (formerly Invitae), Labcorp); PubMed 23512835 (cited by Labcorp Genetics (formerly Invitae), Labcorp); PubMed 9232624 (cited by Labcorp Genetics (formerly Invitae), Labcorp and Victorian Clinical Genetics Services, Murdoch Childrens Research Institute); PubMed 20301703 (cited by Victorian Clinical Genetics Services, Murdoch Childrens Research Institute); PubMed 30854529 (cited by Victorian Clinical Genetics Services, Murdoch Childrens Research Institute).